The following is an entry in ClinVar:

ClinVar aggregate classification (germline): Likely benign. Review status: criteria provided, multiple submitters, no conflicts (2 of 4 stars). 3 submissions from 3 submitters: Likely benign (2). 1 of the submissions does not count toward it. Last evaluated 2024-03-13.

Conditions:
AP3D1-related disorder. Also called: AP3D1-related condition.

Allele frequency attached by ClinVar (database versions not stated): ExAC 0.00001; gnomAD exomes 0.00001.
gnomAD v4.1: 19 of 1,612,034 alleles (0.0012%); highest among the groups gnomAD compares: African/African-American, 0.004%; no homozygotes.

Submissions (3):

Labcorp Genetics (formerly Invitae), Labcorp
Classification: Likely benign. Last evaluated: 2024-03-13. Review status: criteria provided, single submitter. Criteria: Invitae Variant Classification Sherloc (09022015). Collection method: clinical testing. Allele origin: germline.

Blueprint Genetics
Classification: Likely benign. Last evaluated: 2022-10-07. Review status: criteria provided, single submitter. Criteria: ACMG Guidelines, 2015. Collection method: clinical testing. Allele origin: germline.

PreventionGenetics, part of Exact Sciences
Classification: Likely benign for AP3D1-related condition. Last evaluated: 2019-03-28. Review status: no assertion criteria provided. Collection method: clinical testing. Allele origin: germline. Not counted in ClinVar's aggregate classification.
Comment: This variant is classified as likely benign based on ACMG/AMP sequence variant interpretation guidelines (Richards et al. 2015 PMID: 25741868, with internal and published modifications).

NM_001261826.3(AP3D1):c.1362C>T (p.Phe454=)

Gene: AP3D1 (adaptor related protein complex 3 subunit delta 1; minus strand). Cytogenetic location: 19p13.3.
Variant type: single nucleotide variant.
Coding change: c.1362C>T on transcript NM_001261826.3 (MANE Select); coding-DNA position 1362, C replaced by T.
Protein change: p.Phe454=; no amino-acid change (phenylalanine 454 retained).
Molecular consequence: synonymous variant.
Genome position (GRCh38, 1-based): chr19:2,120,981, G>A on the plus strand (C>T on the coding strand, the complement: AP3D1 is on the minus strand). VCF-style: chr19-2120981-G-A. GRCh37 (hg19) VCF-style: chr19-2120980-G-A.
Other names: c.1362C>T, p.Phe454= (NM_001374799.1, NM_003938.8); c.1362C>T (NM_001261826.1).
Identifiers: ClinVar variation 1589646 (VCV001589646.11), dbSNP rs376667593, ClinGen allele CA9059339.